The following is an entry in ClinVar:

ClinVar aggregate classification (germline): Uncertain significance. Review status: criteria provided, multiple submitters, no conflicts (2 of 4 stars). 4 submissions from 4 submitters: Uncertain significance (3). 1 of the submissions does not count toward it. Last evaluated 2025-09-11.

Conditions:
Cerebral creatine deficiency syndrome. Also called: Creatine deficiency syndromes. Identifiers: Orphanet 79172, MedGen C5244016, MONDO:0000456.
Deficiency of guanidinoacetate methyltransferase (CCDS2). Also called: CEREBRAL CREATINE DEFICIENCY SYNDROME 2; Guanidinoacetate Methyltransferase (GAMT) Deficiency; GAMT DEFICIENCY. Identifiers: Orphanet 382, MedGen C0574080, MONDO:0012999, OMIM 612736.
Inborn genetic diseases. Identifiers: MedGen C0950123, MeSH D030342.

Allele frequency attached by ClinVar (database versions not stated): gnomAD 0.00001 and 0.00002; gnomAD exomes below 0.00001 and 0.00001; TOPMed 0.00002; ExAC 0.00003; ESP Exome Variant Server 0.00023.

Submissions (4):

GeneDx
Classification: Uncertain significance. Last evaluated: 2025-09-11. Review status: criteria provided, single submitter. Criteria: GeneDx Variant Classification Process June 2021. Collection method: clinical testing. Allele origin: germline.
Comment: Not observed at significant frequency in large population cohorts (gnomAD); In silico analysis supports that this missense variant has a deleterious effect on protein structure/function; Published functional studies demonstrate no damaging effect (PMID: 26003046); This variant is associated with the following publications: (PMID: 26003046)

Ambry Genetics
Classification: Uncertain significance for Inborn genetic diseases. Last evaluated: 2022-08-08. Review status: criteria provided, single submitter. Criteria: Ambry Variant Classification Scheme 2023. Collection method: clinical testing. Allele origin: germline.

Labcorp Genetics (formerly Invitae), Labcorp
Classification: Uncertain significance for Cerebral creatine deficiency syndrome. Last evaluated: 2021-09-01. Review status: criteria provided, single submitter. Criteria: Invitae Variant Classification Sherloc (09022015). Collection method: clinical testing. Allele origin: germline.
Comment: This sequence change replaces methionine with valine at codon 71 of the GAMT protein (p.Met71Val). The methionine residue is highly conserved and there is a small physicochemical difference between methionine and valine. This variant is present in population databases (rs372027428, ExAC 0.03%). This variant has not been reported in the literature in individuals affected with GAMT-related conditions. ClinVar contains an entry for this variant (Variation ID: 237120). Algorithms developed to predict the effect of missense changes on protein structure and function are either unavailable or do not agree on the potential impact of this missense change (SIFT: "Deleterious"; PolyPhen-2: "Possibly Damaging"; Align-GVGD: "Class C0"). Experimental studies have shown that this missense change does not substantially affect GAMT function (PMID: 26003046). In summary, the available evidence is currently insufficient to determine the role of this variant in disease. Therefore, it has been classified as a Variant of Uncertain Significance.

Natera, Inc.
Classification: Uncertain significance for Guanidinoacetate methyltransferase deficiency. Last evaluated: 2020-09-16. Review status: no assertion criteria provided. Collection method: clinical testing. Allele origin: germline. Not counted in ClinVar's aggregate classification.

Literature cited by the submitters: PubMed 26003046 (cited by Labcorp Genetics (formerly Invitae), Labcorp).

NM_000156.6(GAMT):c.211A>G (p.Met71Val)

Gene: GAMT (guanidinoacetate N-methyltransferase; minus strand). Cytogenetic location: 19p13.3.
Variant type: single nucleotide variant.
Coding change: c.211A>G on transcript NM_000156.6 (MANE Select); coding-DNA position 211, A replaced by G.
Protein change: p.Met71Val; replaces methionine 71 with valine.
Molecular consequence: missense variant.
Genome position (GRCh38, 1-based): chr19:1,399,909, T>C on the plus strand (A>G on the coding strand, the complement: GAMT is on the minus strand). VCF-style: chr19-1399909-T-C. GRCh37 (hg19) VCF-style: chr19-1399908-T-C.
Other names: c.211A>G, p.Met71Val (NM_138924.3); c.211A>G (NM_000156.4); short protein forms M71V.
Identifiers: ClinVar variation 237120 (VCV000237120.10), dbSNP rs372027428, ClinGen allele CA9043763.
Genomic context (GRCh38, chr19:1,399,909, plus strand): 5'-ACTCGATGATCCAATGCTCATCAATGGGCGCCTCCTGCACCTTTGACGCTGCGATGGCCA[T>C]GCCAAAGCCCACCTCCAGGACCCGGCCCCCTGGGCAGACACAGGGCGCCTGGCATCACTA-3'
Protein context (NP_000147.1, residues 61-81): GGRVLEVGFG[Met71Val]AIAASKVQEA